The following is an entry in ClinVar:

NM_018122.5(DARS2):c.1345-17_1345-5del

Gene: DARS2 (aspartyl-tRNA synthetase 2, mitochondrial; plus strand). Cytogenetic location: 1q25.1.
Variant type: Deletion.
Coding change: c.1345-17_1345-5del on transcript NM_018122.5 (MANE Select); 17 bases into the intron before coding-DNA position 1345 through 5 bases into the intron before coding-DNA position 1345, 13 bases deleted (ACGTCTTCTGTTT).
Molecular consequence: intron variant.
Genome position (GRCh38, 1-based): chr1:173,853,332-173,853,344, ACGTCTTCTGTTT deleted; deleting any 13 consecutive bases within chr1:173,853,327-173,853,344 gives the same sequence; the c. name uses the placement nearest the transcript's 3' end. VCF-style (leftmost placement, unchanged base first): chr1-173853326-ATGTTTACGTCTTC-A. GRCh37 (hg19) VCF-style: chr1-173822464-ATGTTTACGTCTTC-A.
Other names: NM_018122.5:c.1345-17_1345-5del; c.1192-17_1192-5del (NM_001365212.1).
Identifiers: ClinVar variation 3776823 (VCV003776823.1).

ClinVar aggregate classification (germline): Uncertain significance (1 of 4 stars; one submission).

Conditions:
Leukoencephalopathy with brain stem and spinal cord involvement-high lactate syndrome (LBSL). Also called: Leukoencephalopathy with Brainstem and Spinal Cord Involvement and Lactate Elevation; MITOCHONDRIAL ASPARTYL-tRNA SYNTHETASE DEFICIENCY; LEUKOENCEPHALOPATHY WITH BRAINSTEM AND SPINAL CORD INVOLVEMENT AND LACTATE ELEVATION, MILD. Identifiers: Orphanet 137898, MedGen C1970180, MONDO:0012622, OMIM 611105.

Submission:

Broad Center for Mendelian Genomics, Broad Institute of MIT and Harvard
Classification: Uncertain significance for Leukoencephalopathy with brain stem and spinal cord involvement-high lactate syndrome. Last evaluated: 2025-01-21. Review status: criteria provided, single submitter. Criteria: ACMG Guidelines, 2015. Collection method: curation. Allele origin: germline. Inheritance: Autosomal recessive inheritance.
Comment: The c.1345-17_1345-5del in DARS2 has been reported in 2 individuals with leukoencephalopathy with brain stem and spinal cord involvement-high lactate syndrome (PMID: 24566671, 18619624), and has been identified in 0.002% (1/62196) of remaining chromosomes by the Genome Aggregation Database (gnomAD; dbSNP rs1653743991). Although this variant has been seen in the general population in a heterozygous state, its frequency is low enough to be consistent with a recessive carrier frequency. Of the 2 affected individuals, 1 was a compound heterozygote that carried a reported pathogenic variant in trans, which increases the likelihood that the c.1345-17_1345-5del variant is pathogenic (Variation ID: 1057; PMID: 24566671). Computational prediction tools and conservation analyses suggest that this variant may impact the protein, though this information is not predictive enough to determine pathogenicity. In summary, while there is some suspicion for a pathogenic role, the clinical significance of this variant is uncertain. ACMG/AMP Criteria applied: PM3, PM2_supporting, PP3 (Richards 2015).